The following is an entry in ClinVar:

NM_004304.5(ALK):c.1952A>G (p.Lys651Arg)

Gene: ALK (ALK receptor tyrosine kinase; minus strand). Cytogenetic location: 2p23.2.
Variant type: single nucleotide variant.
Coding change: c.1952A>G on transcript NM_004304.5 (MANE Select); coding-DNA position 1952, A replaced by G.
Protein change: p.Lys651Arg; replaces lysine 651 with arginine.
Molecular consequence: missense variant.
Genome position (GRCh38, 1-based): chr2:29,275,188, T>C on the plus strand (A>G on the coding strand, the complement: ALK is on the minus strand). VCF-style: chr2-29275188-T-C. GRCh37 (hg19) VCF-style: chr2-29498054-T-C.
Other names: short protein forms K651R.
Identifiers: ClinVar variation 3525103 (VCV003525103.1).

ClinVar aggregate classification (germline): Uncertain significance (1 of 4 stars; one submission).

Conditions:
Hereditary cancer-predisposing syndrome. Also called: Hereditary Cancer Syndrome; Hereditary neoplastic syndrome; Tumor predisposition; Neoplastic Syndromes, Hereditary. Identifiers: Orphanet 140162, MedGen C0027672, MeSH D009386, MONDO:0015356.

gnomAD v4.1: 1 of 1,614,156 alleles (0.000062%); no homozygotes.

Submission:

Ambry Genetics
Classification: Uncertain significance for Hereditary cancer-predisposing syndrome. Last evaluated: 2024-11-02. Review status: criteria provided, single submitter. Criteria: Ambry Variant Classification Scheme 2023. Collection method: clinical testing. Allele origin: germline.
Comment: The p.K651R variant (also known as c.1952A>G), located in coding exon 11 of the ALK gene, results from an A to G substitution at nucleotide position 1952. The lysine at codon 651 is replaced by arginine, an amino acid with highly similar properties. This amino acid position is conserved. In addition, this alteration is predicted to be tolerated by in silico analysis. Based on the available evidence, the clinical significance of this variant remains unclear.